The following is an entry in ClinVar:

ClinVar aggregate classification (germline): Conflicting classifications of pathogenicity. Review status: criteria provided, conflicting classifications (1 of 4 stars). 7 submissions from 7 submitters: Uncertain significance (4); Likely benign (3). Last evaluated 2026-02-03.

Conditions:
Cardiovascular phenotype. Identifiers: MedGen CN230736.
Dilated cardiomyopathy 1G (CMD1G). Identifiers: Orphanet 154, MedGen C1858763, MONDO:0011400, OMIM 604145.
Autosomal recessive limb-girdle muscular dystrophy type 2J (LGMDR10). Also called: MUSCULAR DYSTROPHY, LIMB-GIRDLE, AUTOSOMAL RECESSIVE 10; Limb-girdle muscular dystrophy, type 2J. Identifiers: Orphanet 140922, MedGen C1837342, MONDO:0012127, OMIM 608807.
Myopathy, myofibrillar, 9, with early respiratory failure (MFM9). Also called: EDSTROM MYOPATHY; MYOPATHY, PROXIMAL, WITH EARLY RESPIRATORY MUSCLE INVOLVEMENT; Myopathy, distal, with early respiratory failure, autosomal dominant; Hereditary myopathy with early respiratory failure. Identifiers: Orphanet 178464, Orphanet 34521, MedGen C1863599, MONDO:0011362, OMIM 603689.
Early-onset myopathy with fatal cardiomyopathy (CMYO5). Also called: CONGENITAL MYOPATHY 5 WITH CARDIOMYOPATHY; Salih Myopathy. Identifiers: Orphanet 289377, MedGen C2673677, MONDO:0012714, OMIM 611705. Disease mechanism: loss of function.
Hypertrophic cardiomyopathy 9. Also called: Familial hypertrophic cardiomyopathy 9. Identifiers: MedGen C1861065, MONDO:0013412, OMIM 613765.
Tibial muscular dystrophy (TMD). Also called: UDD MYOPATHY; Tibial muscular dystrophy, tardive; Udd Distal Myopathy – Tibial Muscular Dystrophy. Identifiers: Orphanet 609, MedGen C1838244, MONDO:0010870, OMIM 600334.

Allele frequency attached by ClinVar (database versions not stated): ExAC 0.00004; gnomAD 0.00004; TOPMed 0.00005; gnomAD exomes 0.00010; ESP Exome Variant Server 0.00025.
gnomAD v4.1: 119 of 1,613,704 alleles (0.0074%); highest among the groups gnomAD compares: Admixed American, 0.01%; no homozygotes.

Submissions (7):

Labcorp Genetics (formerly Invitae), Labcorp
Classification: Likely benign for Dilated cardiomyopathy 1G; Autosomal recessive limb-girdle muscular dystrophy type 2J. Last evaluated: 2026-02-03. Review status: criteria provided, single submitter. Criteria: Invitae Variant Classification Sherloc (09022015). Collection method: clinical testing. Allele origin: germline.

Molecular Diagnostic Laboratory for Inherited Cardiovascular Disease, Montreal Heart Institute
Classification: Likely benign. Last evaluated: 2025-04-09. Review status: criteria provided, single submitter. Criteria: ACMG Guidelines, 2015. Collection method: clinical testing. Allele origin: germline. Affected: no.

Fulgent Genetics
Classification: Uncertain significance for Tibial muscular dystrophy; Myopathy, myofibrillar, 9, with early respiratory failure; Dilated cardiomyopathy 1G; Autosomal recessive limb-girdle muscular dystrophy type 2J; Early-onset myopathy with fatal cardiomyopathy; Hypertrophic cardiomyopathy 9. Last evaluated: 2024-03-12. Review status: criteria provided, single submitter. Criteria: ACMG Guidelines, 2015. Collection method: clinical testing. Allele origin: germline.

Ambry Genetics
Classification: Uncertain significance for Cardiovascular phenotype. Last evaluated: 2020-08-26. Review status: criteria provided, single submitter. Criteria: Ambry Variant Classification Scheme 2023. Collection method: clinical testing. Allele origin: germline.
Comment: The p.V4177M variant (also known as c.12529G>A), located in coding exon 44 of the TTN gene, results from a G to A substitution at nucleotide position 12529. The valine at codon 4177 is replaced by methionine, an amino acid with highly similar properties. This amino acid position is poorly conserved in available vertebrate species. In addition, this alteration is predicted to be tolerated by in silico analysis. Since supporting evidence is limited at this time, the clinical significance of this alteration remains unclear.

Eurofins Ntd Llc (ga)
Classification: Uncertain significance. Last evaluated: 2017-01-16. Review status: criteria provided, single submitter. Criteria: EGL Classification Definitions 2015. Collection method: clinical testing. Allele origin: germline. Observed: 1 variant allele, 1 heterozygote.

GeneDx
Classification: Uncertain significance. Last evaluated: 2015-11-13. Review status: criteria provided, single submitter. Criteria: GeneDx Variant Classification (06012015). Collection method: clinical testing. Allele origin: germline. Affected: yes.
Comment: Missense variants in the TTN gene are considered 'unclassified' if they are not previously reported in the literature and do not have >1% frequency in the population to be considered a polymorphism. Research indicates that truncating mutations in the TTN gene are expected to account for approximately 25% of familial and 18% of sporadic idiopathic DCM; however, truncating variants in the TTN gene have been reported in approximately 3% of reported control alleles. There has been little investigation into non-truncating variants. (Herman D et al. Truncations of titin causing dilated cardiomyopathy. N Eng J Med 366:619-628, 2012) The variant is found in DCM,DCM-CRDM panel(s).

Laboratory for Molecular Medicine, Mass General Brigham Personalized Medicine
Classification: Likely benign. Last evaluated: 2015-04-23. Review status: criteria provided, single submitter. Criteria: LMM Criteria. Collection method: clinical testing. Allele origin: germline. Observed: 1 variant allele.
Comment: p.Val4302Met in exon 45B of TTN: This variant is not expected to have clinical s ignificance due to a lack of conservation across species, including mammals. Of note, 5 mammals (Rhesus monkey, crab eating macaque, baboon, green monkey, and a ardvark) carry a methionine (Met) at this position. It has been identified in 2/ 66622 of European chromosomes by the Exome Aggregation Consortium (ExAC; dbSNP rs201046911).

NM_001267550.2(TTN):c.13618G>A (p.Val4540Met)

Gene: TTN (titin; minus strand). Cytogenetic location: 2q31.2.
Variant type: single nucleotide variant.
Coding change: c.13618G>A on transcript NM_001267550.2 (MANE Select); coding-DNA position 13618, G replaced by A.
Protein change: p.Val4540Met; replaces valine 4540 with methionine.
Molecular consequence: missense variant. On other transcripts: intron variant (1).
Genome position (GRCh38, 1-based): chr2:178,739,615, C>T on the plus strand (G>A on the coding strand, the complement: TTN is on the minus strand). VCF-style: chr2-178739615-C-T. GRCh37 (hg19) VCF-style: chr2-179604342-C-T.
Other names: p.V4223M:GTG>ATG; c.12529G>A, p.Val4177Met (NM_003319.4); c.13105G>A, p.Val4369Met (NM_133437.4); c.10361-1255G>A (NM_133378.4); c.12667G>A, p.Val4223Met (NM_001256850.1); c.12904G>A, p.Val4302Met (NM_133432.3); short protein forms V4223M, V4540M, V4302M, V4177M, V4369M.
Identifiers: ClinVar variation 203229 (VCV000203229.25), dbSNP rs201046911, ClinGen allele CA311746.
Genomic context (GRCh38, chr2:178,739,615, plus strand): 5'-CAGCTGAAGCAACCCCTTTAGTGACAGGTGTGGCATCCAAATATTTAACCCTACTTTGCA[C>T]GTTAAAATAACTGACCTCTTCAGTTGAGATCAGATATTTAGATTCAACTTCTGGTTCAGT-3'
Protein context (NP_001254479.2, residues 4530-4550): ISTEEVSYFN[Val4540Met]QSRVKYLDAT